The following is an entry in ClinVar:

NM_001110556.2(FLNA):c.1844G>A (p.Gly615Glu)

Gene: FLNA (filamin A; minus strand). Cytogenetic location: Xq28.
Variant type: single nucleotide variant.
Coding change: c.1844G>A on transcript NM_001110556.2 (MANE Select); coding-DNA position 1844, G replaced by A.
Protein change: p.Gly615Glu; replaces glycine 615 with glutamic acid.
Molecular consequence: missense variant.
Genome position (GRCh38, 1-based): chrX:154,364,704, C>T on the plus strand (G>A on the coding strand, the complement: FLNA is on the minus strand). VCF-style: chrX-154364704-C-T. GRCh37 (hg19) VCF-style: chrX-153593072-C-T.
Other names: c.1844G>A, p.Gly615Glu (NM_001456.4); short protein forms G615E.
Identifiers: ClinVar variation 1450848 (VCV001450848.8), dbSNP rs2148116352, ClinGen allele CA415242047.

ClinVar aggregate classification (germline): Uncertain significance (1 of 4 stars; one submission).

Conditions:
Melnick-Needles syndrome (MNS). Also called: MELNICK-NEEDLES OSTEODYSPLASTY; Melnick-Needles Syndrome (FLNA-MNS); OSTEODYSPLASTY OF MELNICK AND NEEDLES. Identifiers: Orphanet 2484, MedGen C0025237, MONDO:0010650, OMIM 309350.
Frontometaphyseal dysplasia (FMD1). Identifiers: Orphanet 1826, MedGen C0265293, MONDO:0015942.
Heterotopia, periventricular, X-linked dominant (PVNH1). Also called: PERIVENTRICULAR NODULAR HETEROTOPIA 1; X-linked periventricular heterotopia; PERIVENTRICULAR NODULAR HETEROTOPIA 4; HETEROTOPIA, PERIVENTRICULAR, 1. Identifiers: Orphanet 2149, Orphanet 82004, MedGen C1848213, MONDO:0010233, OMIM 300049.
Oto-palato-digital syndrome, type II (OPD2). Also called: FACIOPALATOOSSEOUS SYNDROME; Otopalatodigital Syndrome Type 2 (FLNA-OPD2); OPD II SYNDROME; Otopalatodigital Syndrome, Type II. Identifiers: Orphanet 669, Orphanet 90652, MedGen C1844696, MONDO:0010571, OMIM 304120.

Submission:

Labcorp Genetics (formerly Invitae), Labcorp
Classification: Uncertain significance for Oto-palato-digital syndrome, type II; Heterotopia, periventricular, X-linked dominant; Frontometaphyseal dysplasia; Melnick-Needles syndrome. Last evaluated: 2021-08-12. Review status: criteria provided, single submitter. Criteria: Invitae Variant Classification Sherloc (09022015). Collection method: clinical testing. Allele origin: germline.
Comment: This variant is not present in population databases (ExAC no frequency). In summary, the available evidence is currently insufficient to determine the role of this variant in disease. Therefore, it has been classified as a Variant of Uncertain Significance. Algorithms developed to predict the effect of missense changes on protein structure and function are either unavailable or do not agree on the potential impact of this missense change (SIFT: "Deleterious"; PolyPhen-2: "Probably Damaging"; Align-GVGD: "Class C0"). This variant has not been reported in the literature in individuals with FLNA-related conditions. This sequence change replaces glycine with glutamic acid at codon 615 of the FLNA protein (p.Gly615Glu). The glycine residue is highly conserved and there is a moderate physicochemical difference between glycine and glutamic acid.